The following is an entry in ClinVar:

NM_000051.4(ATM):c.7326G>T (p.Gln2442His)

Genes: ATM (ATM serine/threonine kinase; plus strand), C11orf65 (chromosome 11 open reading frame 65; minus strand). Cytogenetic location: 11q22.3.
Variant type: single nucleotide variant.
Coding change: c.7326G>T on transcript NM_000051.4 (MANE Select); coding-DNA position 7326, G replaced by T.
Protein change: p.Gln2442His; replaces glutamine 2442 with histidine.
Molecular consequence: missense variant. On other transcripts: intron variant (2).
Genome position (GRCh38, 1-based): chr11:108,330,232, G>T. VCF-style: chr11-108330232-G-T. GRCh37 (hg19) VCF-style: chr11-108200959-G-T.
Other names: c.7326G>T, p.Gln2442His (NM_001351834.2); c.641-21161C>A (NM_001330368.2); c.*38+4988C>A (NM_001351110.2); short protein forms Q2442H.
Identifiers: ClinVar variation 524259 (VCV000524259.12), dbSNP rs1555122970, ClinGen allele CA382559895.

ClinVar aggregate classification (germline): Uncertain significance. Review status: criteria provided, multiple submitters, no conflicts (2 of 4 stars). 2 submissions from 2 submitters: Uncertain significance (2). Last evaluated 2023-05-05.

Conditions:
Familial cancer of breast. Also called: BREAST CANCER, FAMILIAL; Hereditary breast cancer; hereditary breast carcinoma. Identifiers: Orphanet 227535, MedGen C0346153, MONDO:0016419, OMIM 114480. Disease mechanism: loss of function.
Ataxia-telangiectasia syndrome (AT). Also called: Cerebello-oculocutaneous telangiectasia; Immunodeficiency with ataxia telangiectasia; Ataxia-telangiectasia, complementation group E; Ataxia-telangiectasia, complementation group D; AT, COMPLEMENTATION GROUP C; ATAXIA-TELANGIECTASIA, COMPLEMENTATION GROUP A. Identifiers: Orphanet 100, MedGen C0004135, MONDO:0008840, OMIM 208900.

Submissions (2):

Baylor Genetics
Classification: Uncertain significance for Familial cancer of breast. Last evaluated: 2023-05-05. Review status: criteria provided, single submitter. Criteria: ACMG Guidelines, 2015. Collection method: clinical testing. Allele origin: unknown.

Labcorp Genetics (formerly Invitae), Labcorp
Classification: Uncertain significance for Ataxia-telangiectasia syndrome. Last evaluated: 2020-10-07. Review status: criteria provided, single submitter. Criteria: Invitae Variant Classification Sherloc (09022015). Collection method: clinical testing. Allele origin: germline.
Comment: This sequence change replaces glutamine with histidine at codon 2442 of the ATM protein (p.Gln2442His). The glutamine residue is moderately conserved and there is a small physicochemical difference between glutamine and histidine. This variant is not present in population databases (ExAC no frequency). This variant has not been reported in the literature in individuals with ATM-related conditions. ClinVar contains an entry for this variant (Variation ID: 524259). Algorithms developed to predict the effect of missense changes on protein structure and function are either unavailable or do not agree on the potential impact of this missense change (SIFT: "Tolerated"; PolyPhen-2: "Probably Damaging"; Align-GVGD: "Class C0"). In summary, the available evidence is currently insufficient to determine the role of this variant in disease. Therefore, it has been classified as a Variant of Uncertain Significance.